The following is an entry in ClinVar:

ClinVar aggregate classification (germline): Likely pathogenic (1 of 4 stars; one submission).

Submission:

GeneDx
Classification: Likely pathogenic. Last evaluated: 2015-10-23. Review status: criteria provided, single submitter. Criteria: GeneDx Variant Classification (06012015). Collection method: clinical testing. Allele origin: germline. Affected: yes.
Comment: The I105F variant that is likely pathogenic was also identified in the ACADS gene. It has not been published as a pathogenic variant, nor has it been reported as a benign variant to our knowledge. The I105F variant was not observed in approximately 6500 individuals of European and African American ancestry in the NHLBI Exome Sequencing Project, indicating it is not a common benign variant in these populations. This substitution occurs at a position that is conserved across species and in silico analysis predicts this variant is probably damaging to the protein structure/function. Furthermore, a missense variant in the same residue (I105N) has been reported in association with SCAD deficiency (Pedersen et al. 2008). Therefore, we interpret the I105F variant as likely pathogenic; however, the possibility that it is benign cannot be excluded.

NM_000017.4(ACADS):c.313A>T (p.Ile105Phe)

Gene: ACADS (acyl-CoA dehydrogenase short chain; plus strand). Cytogenetic location: 12q24.31.
Variant type: single nucleotide variant.
Coding change: c.313A>T on transcript NM_000017.4 (MANE Select); coding-DNA position 313, A replaced by T.
Protein change: p.Ile105Phe; replaces isoleucine 105 with phenylalanine.
Molecular consequence: missense variant.
Genome position (GRCh38, 1-based): chr12:120,737,088, A>T. VCF-style: chr12-120737088-A-T. GRCh37 (hg19) VCF-style: chr12-121174891-A-T.
Other names: c.313A>T, p.Ile105Phe (NM_001302554.2); short protein forms I105F.
Identifiers: ClinVar variation 429795 (VCV000429795.2), dbSNP rs767155955, ClinGen allele CA386614134.
Genomic context (GRCh38, chr12:120,737,088, plus strand): 5'-CCCGAGGAGCTTGGCGGTGCTGGCCTCGATTACCTGGCCTACGCCATCGCCATGGAGGAG[A>T]TCAGCCGTGGCTGCGCCTCCACCGGAGTCATCATGAGTGTCAACAACGTGAGCCCCCTCC-3'
Protein context (NP_000008.1, residues 95-115): YLAYAIAMEE[Ile105Phe]SRGCASTGVI